The following is an entry in ClinVar:

NM_012096.3(APPL1):c.1744C>T (p.Arg582Cys)

Gene: APPL1 (adaptor protein, phosphotyrosine interacting with PH domain and leucine zipper 1; plus strand). Cytogenetic location: 3p14.3.
Variant type: single nucleotide variant.
Coding change: c.1744C>T on transcript NM_012096.3 (MANE Select); coding-DNA position 1744, C replaced by T.
Protein change: p.Arg582Cys; replaces arginine 582 with cysteine.
Molecular consequence: missense variant.
Genome position (GRCh38, 1-based): chr3:57,260,676, C>T. VCF-style: chr3-57260676-C-T. GRCh37 (hg19) VCF-style: chr3-57294704-C-T.
Other names: short protein forms R582C.
Identifiers: ClinVar variation 3352688 (VCV003352688.1).

ClinVar aggregate classification (germline): Uncertain significance (0 of 4 stars; one submission).

Conditions:
APPL1-related disorder. Also called: APPL1-related condition.

gnomAD v4.1: 68 of 1,612,706 alleles (0.0042%); highest among the groups gnomAD compares: Middle Eastern, 0.016%; no homozygotes.

Submission:

PreventionGenetics, part of Exact Sciences
Classification: Uncertain significance for APPL1-related condition. Last evaluated: 2024-05-23. Review status: no assertion criteria provided. Collection method: clinical testing. Allele origin: germline.
Comment: The APPL1 c.1744C>T variant is predicted to result in the amino acid substitution p.Arg582Cys. To our knowledge, this variant has not been reported in the literature. This variant is reported in 0.012% of alleles in individuals of Latino descent in gnomAD. At this time, the clinical significance of this variant is uncertain due to the absence of conclusive functional and genetic evidence.